The following is an entry in ClinVar:

ClinVar aggregate classification (germline): Pathogenic (1 of 4 stars; one submission).

Conditions:
Hereditary cancer-predisposing syndrome. Also called: Neoplastic Syndromes, Hereditary; Tumor predisposition; Hereditary Cancer Syndrome; Hereditary neoplastic syndrome. Identifiers: Orphanet 140162, MedGen C0027672, MeSH D009386, MONDO:0015356.

Submission:

Ambry Genetics
Classification: Pathogenic for Hereditary cancer-predisposing syndrome. Last evaluated: 2021-10-04. Review status: criteria provided, single submitter. Criteria: Ambry Variant Classification Scheme 2023. Collection method: clinical testing. Allele origin: germline.
Comment: The c.409_430del22 pathogenic mutation, located in coding exon 4 of the NBN gene, results from a deletion of 22 nucleotides at nucleotide positions 409 to 430, causing a translational frameshift with a predicted alternate stop codon (p.G137Qfs*12). This alteration is expected to result in loss of function by premature protein truncation or nonsense-mediated mRNA decay. As such, this alteration is interpreted as a disease-causing mutation.

NM_002485.5(NBN):c.409_430del (p.Gly137fs)

Gene: NBN (nibrin; minus strand). Cytogenetic location: 8q21.3.
Variant type: Deletion.
Coding change: c.409_430del on transcript NM_002485.5 (MANE Select); coding-DNA positions 409 to 430, 22 bases deleted (GGATTTACTGTAAACAATTGGA).
Protein change: p.Gly137fs; shifts the reading frame from glycine 137.
Molecular consequence: frameshift variant.
Genome position (GRCh38, 1-based): chr8:89,980,784-89,980,805, TCCAATTGTTTACAGTAAATCC deleted on the plus strand (GGATTTACTGTAAACAATTGGA on the coding strand, the reverse complement: NBN is on the minus strand); deleting any 22 consecutive bases within chr8:89,980,784-89,980,810 gives the same sequence; the c. name uses the placement nearest the transcript's 3' end. VCF-style (leftmost placement, unchanged base first): chr8-89980783-GTCCAATTGTTTACAGTAAATCC-G. GRCh37 (hg19) VCF-style: chr8-90993011-GTCCAATTGTTTACAGTAAATCC-G.
Other names: c.163_184del, p.Gly55fs (NM_001024688.3); c.409_430del22 (NM_002485.4); short protein forms G55fs, G137fs.
Identifiers: ClinVar variation 1737742 (VCV001737742.2), dbSNP rs2488355798, ClinGen allele CA2580079179.
Genomic context (GRCh38, chr8:89,980,783, plus strand): 5'-ATTCAACCTACTTTAATGGTAACTTTCACTGATACCATGACAAGGTGAGTGCATTCTTCT[GTCCAATTGTTTACAGTAAATCC>G]TCCAAGTTGCAATATAGCTTGATTTAAAGCAGTTTTCCCAGAGACATCTAAACAAGAAGA-3'